The following is an entry in ClinVar:

ClinVar aggregate classification (germline): Uncertain significance (1 of 4 stars; one submission).

Allele frequency attached by ClinVar (database versions not stated): TOPMed below 0.00001; gnomAD 0.00001.
gnomAD v4.1: 1 of 1,594,424 alleles (0.000063%); highest among the groups gnomAD compares: Non-Finnish European, 0.000086%; no homozygotes.

Submission:

Labcorp Genetics (formerly Invitae), Labcorp
Classification: Uncertain significance. Last evaluated: 2024-02-24. Review status: criteria provided, single submitter. Criteria: Invitae Variant Classification Sherloc (09022015). Collection method: clinical testing. Allele origin: germline.
Comment: This sequence change replaces aspartic acid, which is acidic and polar, with alanine, which is neutral and non-polar, at codon 376 of the C9 protein (p.Asp376Ala). This variant is not present in population databases (gnomAD no frequency). This variant has not been reported in the literature in individuals affected with C9-related conditions. ClinVar contains an entry for this variant (Variation ID: 1956605). Advanced modeling of protein sequence and biophysical properties (such as structural, functional, and spatial information, amino acid conservation, physicochemical variation, residue mobility, and thermodynamic stability) performed at Invitae indicates that this missense variant is expected to disrupt C9 protein function with a positive predictive value of 80%. In summary, the available evidence is currently insufficient to determine the role of this variant in disease. Therefore, it has been classified as a Variant of Uncertain Significance.

NM_001737.5(C9):c.1127A>C (p.Asp376Ala)

Gene: C9 (complement C9; minus strand). Cytogenetic location: 5p13.1.
Variant type: single nucleotide variant.
Coding change: c.1127A>C on transcript NM_001737.5 (MANE Select); coding-DNA position 1127, A replaced by C.
Protein change: p.Asp376Ala; replaces aspartic acid 376 with alanine.
Molecular consequence: missense variant.
Genome position (GRCh38, 1-based): chr5:39,308,343, T>G on the plus strand (A>C on the coding strand, the complement: C9 is on the minus strand). VCF-style: chr5-39308343-T-G. GRCh37 (hg19) VCF-style: chr5-39308445-T-G.
Other names: short protein forms D376A.
Identifiers: ClinVar variation 1956605 (VCV001956605.4), dbSNP rs1753418172, ClinGen allele CA359554827.